The following is an entry in ClinVar:

ClinVar aggregate classification (germline): Conflicting classifications of pathogenicity. Review status: criteria provided, conflicting classifications (1 of 4 stars). 3 submissions from 3 submitters: Pathogenic (1); Likely pathogenic (1); Uncertain significance (1). Last evaluated 2024-06-19.

Conditions:
INPP5K-related disorders.

Submissions (3):

Blueprint Genetics
Classification: Pathogenic for INPP5K-related disorders. Last evaluated: 2024-06-19. Review status: criteria provided, single submitter. Criteria: ACMG Guidelines, 2015. Collection method: clinical testing. Allele origin: germline. Affected: yes. Observed: 3 variant alleles.

Clinical Genetics Laboratory, Skane University Hospital Lund
Classification: Likely pathogenic. Last evaluated: 2023-03-23. Review status: criteria provided, single submitter. Criteria: ACMG Guidelines, 2015. Collection method: clinical testing. Allele origin: germline. Affected: yes.

Laboratorio de Genetica e Diagnostico Molecular, Hospital Israelita Albert Einstein
Classification: Uncertain significance. Last evaluated: 2019-08-01. Review status: criteria provided, single submitter. Criteria: ACMG Guidelines, 2015. Collection method: clinical testing. Allele origin: germline. Affected: yes.
Comment: ACMG classification criteria: PM2, PM4

NM_016532.4(INPP5K):c.881_883del (p.Ser294del)

Gene: INPP5K (inositol polyphosphate-5-phosphatase K; minus strand). Cytogenetic location: 17p13.3.
Variant type: Deletion.
Coding change: c.881_883del on transcript NM_016532.4 (MANE Select); coding-DNA positions 881 to 883, 3 bases deleted (CCT; older notation c.881_883delCCT).
Protein change: p.Ser294del; deletes serine 294.
Molecular consequence: inframe deletion.
Genome position (GRCh38, 1-based): chr17:1,498,016-1,498,018, AGG deleted on the plus strand (CCT on the coding strand, the reverse complement: INPP5K is on the minus strand); deleting any 3 consecutive bases within chr17:1,498,016-1,498,020 gives the same sequence; the c. name uses the placement nearest the transcript's 3' end. VCF-style (leftmost placement, unchanged base first): chr17-1498015-AAGG-A. GRCh37 (hg19) VCF-style: chr17-1401309-AAGG-A.
Other names: c.653_655del, p.Ser218del (NM_001135642.2, NM_130766.3); short protein forms S218del, S294del.
Identifiers: ClinVar variation 1690667 (VCV001690667.4), dbSNP rs765015650, ClinGen allele CA8268439.